The following is an entry in ClinVar:

NM_000038.6(APC):c.7880C>A (p.Ser2627Tyr)

Gene: APC (APC regulator of Wnt signaling pathway; plus strand). Cytogenetic location: 5q22.2.
Variant type: single nucleotide variant.
Coding change: c.7880C>A on transcript NM_000038.6 (MANE Select); coding-DNA position 7880, C replaced by A.
Protein change: p.Ser2627Tyr; replaces serine 2627 with tyrosine.
Molecular consequence: missense variant. On other transcripts: non-coding transcript variant (2).
Genome position (GRCh38, 1-based): chr5:112,843,474, C>A. VCF-style: chr5-112843474-C-A. GRCh37 (hg19) VCF-style: chr5-112179171-C-A.
Other names: c.7880C>A, p.Ser2627Tyr (NM_001127510.3, NM_001354895.2, NM_001407450.1); c.7826C>A, p.Ser2609Tyr (NM_001127511.3); c.7934C>A, p.Ser2645Tyr (NM_001354896.2, NM_001407447.1, NM_001407448.1 and 1 more transcripts); c.7910C>A, p.Ser2637Tyr (NM_001354897.2); c.7805C>A, p.Ser2602Tyr (NM_001354898.2); c.7796C>A, p.Ser2599Tyr (NM_001354899.2); c.7757C>A, p.Ser2586Tyr (NM_001354900.2); c.7703C>A, p.Ser2568Tyr (NM_001354901.2, NM_001407453.1); and 12 more; short protein forms S2344Y, S2526Y, S2586Y, S2599Y, S2617Y, S2467Y, S2568Y, S2609Y.
Identifiers: ClinVar variation 2842780 (VCV002842780.4), dbSNP rs767337020, ClinGen allele CA16038453.

ClinVar aggregate classification (germline): Uncertain significance. Review status: criteria provided, multiple submitters, no conflicts (2 of 4 stars). 2 submissions from 2 submitters: Uncertain significance (2). Last evaluated 2024-05-16.

Conditions:
Hereditary cancer-predisposing syndrome. Also called: Neoplastic Syndromes, Hereditary; Hereditary Cancer Syndrome; Hereditary neoplastic syndrome; Tumor predisposition. Identifiers: Orphanet 140162, MedGen C0027672, MeSH D009386, MONDO:0015356.
Familial adenomatous polyposis 1 (FAP1). Also called: FAMILIAL ADENOMATOUS POLYPOSIS 1, ATTENUATED; POLYPOSIS, ADENOMATOUS INTESTINAL. Identifiers: MedGen C2713442, MONDO:0021056, OMIM 175100. Disease mechanism: loss of function.

Submissions (2):

Ambry Genetics
Classification: Uncertain significance for Hereditary cancer-predisposing syndrome. Last evaluated: 2024-05-16. Review status: criteria provided, single submitter. Criteria: Ambry Variant Classification Scheme 2023. Collection method: clinical testing. Allele origin: germline.
Comment: The p.S2627Y variant (also known as c.7880C>A), located in coding exon 15 of the APC gene, results from a C to A substitution at nucleotide position 7880. The serine at codon 2627 is replaced by tyrosine, an amino acid with dissimilar properties. This amino acid position is conserved. In addition, in silico predictors for this gene do not accurately predict pathogenicity. Based on the available evidence, the clinical significance of this variant remains unclear.

Labcorp Genetics (formerly Invitae), Labcorp
Classification: Uncertain significance for Familial adenomatous polyposis 1. Last evaluated: 2023-03-04. Review status: criteria provided, single submitter. Criteria: Invitae Variant Classification Sherloc (09022015). Collection method: clinical testing. Allele origin: germline.
Comment: In summary, the available evidence is currently insufficient to determine the role of this variant in disease. Therefore, it has been classified as a Variant of Uncertain Significance. Advanced modeling of protein sequence and biophysical properties (such as structural, functional, and spatial information, amino acid conservation, physicochemical variation, residue mobility, and thermodynamic stability) performed at Invitae indicates that this missense variant is not expected to disrupt APC protein function. This variant has not been reported in the literature in individuals affected with APC-related conditions. This variant is not present in population databases (gnomAD no frequency). This sequence change replaces serine, which is neutral and polar, with tyrosine, which is neutral and polar, at codon 2627 of the APC protein (p.Ser2627Tyr).